The following is an entry in ClinVar:

NM_001148.6(ANK2):c.3422G>C (p.Arg1141Pro)

Gene: ANK2 (ankyrin 2; plus strand). Cytogenetic location: 4q26.
Variant type: single nucleotide variant.
Coding change: c.3422G>C on transcript NM_001148.6 (MANE Select); coding-DNA position 3422, G replaced by C.
Protein change: p.Arg1141Pro; replaces arginine 1141 with proline.
Molecular consequence: missense variant.
Genome position (GRCh38, 1-based): chr4:113,335,888, G>C. VCF-style: chr4-113335888-G-C. GRCh37 (hg19) VCF-style: chr4-114257044-G-C.
Other names: c.3392G>C, p.Arg1131Pro (NM_001354239.2, NM_001354252.2); c.3467G>C, p.Arg1156Pro (NM_001354240.2, NM_001354241.2, NM_001386144.1); c.3464G>C, p.Arg1155Pro (NM_001354242.2, NM_001354231.2); c.3359G>C, p.Arg1120Pro (NM_001354243.2, NM_001354255.2, NM_001386143.1); c.3356G>C, p.Arg1119Pro (NM_001354244.2, NM_001354256.2, NM_001386161.1); c.3260G>C, p.Arg1087Pro (NM_001354245.2, NM_001354262.2, NM_001354275.2); c.3419G>C, p.Arg1140Pro (NM_001354246.2, NM_001354265.2, NM_001354235.2); c.3236G>C, p.Arg1079Pro (NM_001354249.2, NM_001354266.2, NM_001354267.2 and 6 more transcripts); and 30 more; short protein forms R1013P, R1075P, R1096P, R1107P, R1124P, R1140P, R1141P, R1145P.
Identifiers: ClinVar variation 3540514 (VCV003540514.1).

ClinVar aggregate classification (germline): Uncertain significance (1 of 4 stars; one submission).

Conditions:
Cardiovascular phenotype. Identifiers: MedGen CN230736.

Submission:

Ambry Genetics
Classification: Uncertain significance for Cardiovascular phenotype. Last evaluated: 2024-11-05. Review status: criteria provided, single submitter. Criteria: Ambry Variant Classification Scheme 2023. Collection method: clinical testing. Allele origin: germline.
Comment: The p.R1141P variant (also known as c.3422G>C), located in coding exon 30 of the ANK2 gene, results from a G to C substitution at nucleotide position 3422. The arginine at codon 1141 is replaced by proline, an amino acid with dissimilar properties. This amino acid position is conserved. In addition, this alteration is predicted to be deleterious by in silico analysis. Based on the available evidence, the clinical significance of this variant remains unclear.